The following is an entry in ClinVar:

ClinVar aggregate classification (germline): Uncertain significance (1 of 4 stars; one submission).

Conditions:
Hereditary cancer-predisposing syndrome. Also called: Tumor predisposition; Hereditary neoplastic syndrome; Hereditary Cancer Syndrome; Neoplastic Syndromes, Hereditary. Identifiers: Orphanet 140162, MedGen C0027672, MeSH D009386, MONDO:0015356.

Submission:

Ambry Genetics
Classification: Uncertain significance for Hereditary cancer-predisposing syndrome. Last evaluated: 2023-12-04. Review status: criteria provided, single submitter. Criteria: Ambry Variant Classification Scheme 2023. Collection method: clinical testing. Allele origin: germline.
Comment: The p.A33V variant (also known as c.98C>T), located in coding exon 2 of the XRCC2 gene, results from a C to T substitution at nucleotide position 98. The alanine at codon 33 is replaced by valine, an amino acid with similar properties. This amino acid position is conserved. In addition, this alteration is predicted to be tolerated by in silico analysis. Since supporting evidence is limited at this time, the clinical significance of this alteration remains unclear.

NM_005431.2(XRCC2):c.98C>T (p.Ala33Val)

Gene: XRCC2 (X-ray repair cross complementing 2; minus strand). Cytogenetic location: 7q36.1.
Variant type: single nucleotide variant.
Coding change: c.98C>T on transcript NM_005431.2 (MANE Select); coding-DNA position 98, C replaced by T.
Protein change: p.Ala33Val; replaces alanine 33 with valine.
Molecular consequence: missense variant.
Genome position (GRCh38, 1-based): chr7:152,660,724, G>A on the plus strand (C>T on the coding strand, the complement: XRCC2 is on the minus strand). VCF-style: chr7-152660724-G-A. GRCh37 (hg19) VCF-style: chr7-152357809-G-A.
Other names: short protein forms A33V.
Identifiers: ClinVar variation 3224704 (VCV003224704.1), dbSNP rs1392976414, ClinGen allele CA370199442.